The following is an entry in ClinVar:

NM_004113.6(FGF12):c.478C>T (p.Arg160Cys)

Gene: FGF12 (fibroblast growth factor 12; minus strand). Cytogenetic location: 3q28.
Variant type: single nucleotide variant.
Coding change: c.478C>T on transcript NM_004113.6 (MANE Select); coding-DNA position 478, C replaced by T.
Protein change: p.Arg160Cys; replaces arginine 160 with cysteine.
Molecular consequence: missense variant.
Genome position (GRCh38, 1-based): chr3:192,144,077, G>A on the plus strand (C>T on the coding strand, the complement: FGF12 is on the minus strand). VCF-style: chr3-192144077-G-A. GRCh37 (hg19) VCF-style: chr3-191861866-G-A.
Other names: c.664C>T (NM_021032.4); c.367C>T, p.Arg123Cys (NM_001377292.1); c.406C>T, p.Arg136Cys (NM_001377293.1, NM_001377294.1); c.664C>T, p.Arg222Cys (NM_021032.5); short protein forms R123C, R136C, R222C, R160C.
Identifiers: ClinVar variation 2719681 (VCV002719681.5), dbSNP rs1427870966, ClinGen allele CA355865702.

ClinVar aggregate classification (germline): Uncertain significance. Review status: criteria provided, multiple submitters, no conflicts (2 of 4 stars). 3 submissions from 3 submitters: Uncertain significance (3). Last evaluated 2026-02-04.

Conditions:
Inborn genetic diseases. Identifiers: MedGen C0950123, MeSH D030342.

Allele frequency attached by ClinVar (database versions not stated): TOPMed below 0.00001.
gnomAD v4.1: 6 of 1,613,530 alleles (0.00037%); highest among the groups gnomAD compares: South Asian, 0.0011%; no homozygotes.

Submissions (3):

Women's Health and Genetics/Laboratory Corporation of America, LabCorp
Classification: Uncertain significance. Last evaluated: 2026-02-04. Review status: criteria provided, single submitter. Criteria: LabCorp Variant Classification Summary - May 2015. Collection method: clinical testing. Allele origin: germline.
Comment: Variant summary: FGF12 c.664C>T (p.Arg222Cys) results in a non-conservative amino acid change in the encoded protein sequence. Algorithms developed to predict the effect of missense changes on protein structure and function all suggest that this variant is likely to be disruptive. The variant was absent in 251322 control chromosomes. The available data on variant occurrences in the general population are insufficient to allow any conclusion about variant significance. To our knowledge, no occurrence of c.664C>T in individuals affected with FGF12-related conditions and no experimental evidence demonstrating its impact on protein function have been reported. The following publications have been ascertained in the context of this evaluation (PMID: 28098136, 26873401). ClinVar contains an entry for this variant (Variation ID: 2719681). Based on the evidence outlined above, the variant was classified as uncertain significance.

Ambry Genetics
Classification: Uncertain significance for Inborn genetic diseases. Last evaluated: 2025-11-23. Review status: criteria provided, single submitter. Criteria: Ambry Variant Classification Scheme 2023. Collection method: clinical testing. Allele origin: germline.

Labcorp Genetics (formerly Invitae), Labcorp
Classification: Uncertain significance. Last evaluated: 2023-12-06. Review status: criteria provided, single submitter. Criteria: Invitae Variant Classification Sherloc (09022015). Collection method: clinical testing. Allele origin: germline.
Comment: This sequence change replaces arginine, which is basic and polar, with cysteine, which is neutral and slightly polar, at codon 222 of the FGF12 protein (p.Arg222Cys). This variant is not present in population databases (gnomAD no frequency). This variant has not been reported in the literature in individuals affected with FGF12-related conditions. Advanced modeling of protein sequence and biophysical properties (such as structural, functional, and spatial information, amino acid conservation, physicochemical variation, residue mobility, and thermodynamic stability) performed at Invitae indicates that this missense variant is not expected to disrupt FGF12 protein function with a negative predictive value of 80%. In summary, the available evidence is currently insufficient to determine the role of this variant in disease. Therefore, it has been classified as a Variant of Uncertain Significance.

Literature cited by the submitters: PubMed 26873401 (cited by Women's Health and Genetics/Laboratory Corporation of America, LabCorp); PubMed 28098136 (cited by Women's Health and Genetics/Laboratory Corporation of America, LabCorp).